The following is an entry in ClinVar:

NM_012469.4(PRPF6):c.1984C>T (p.Arg662Trp)

Gene: PRPF6 (pre-mRNA processing factor 6; plus strand). Cytogenetic location: 20q13.33.
Variant type: single nucleotide variant.
Coding change: c.1984C>T on transcript NM_012469.4 (MANE Select); coding-DNA position 1984, C replaced by T.
Protein change: p.Arg662Trp; replaces arginine 662 with tryptophan.
Molecular consequence: missense variant.
Genome position (GRCh38, 1-based): chr20:64,026,014, C>T. VCF-style: chr20-64026014-C-T. GRCh37 (hg19) VCF-style: chr20-62657367-C-T.
Other names: short protein forms R662W.
Identifiers: ClinVar variation 3619568 (VCV003619568.2).

ClinVar aggregate classification (germline): Uncertain significance (1 of 4 stars; one submission).

gnomAD v4.1: 5 of 1,611,372 alleles (0.00031%); highest among the groups gnomAD compares: African/African-American, 0.0013%; no homozygotes.

Submission:

Labcorp Genetics (formerly Invitae), Labcorp
Classification: Uncertain significance. Last evaluated: 2024-11-06. Review status: criteria provided, single submitter. Criteria: Invitae Variant Classification Sherloc (09022015). Collection method: clinical testing. Allele origin: germline.
Comment: This sequence change replaces arginine, which is basic and polar, with tryptophan, which is neutral and slightly polar, at codon 662 of the PRPF6 protein (p.Arg662Trp). This variant is not present in population databases (gnomAD no frequency). This variant has not been reported in the literature in individuals affected with PRPF6-related conditions. Invitae Evidence Modeling of protein sequence and biophysical properties (such as structural, functional, and spatial information, amino acid conservation, physicochemical variation, residue mobility, and thermodynamic stability) indicates that this missense variant is expected to disrupt PRPF6 protein function with a positive predictive value of 80%. In summary, the available evidence is currently insufficient to determine the role of this variant in disease. Therefore, it has been classified as a Variant of Uncertain Significance.